The following is an entry in ClinVar:

ClinVar aggregate classification (germline): Uncertain significance (1 of 4 stars; one submission).

Submission:

Labcorp Genetics (formerly Invitae), Labcorp
Classification: Uncertain significance. Last evaluated: 2025-10-11. Review status: criteria provided, single submitter. Criteria: Invitae Variant Classification Sherloc (09022015). Collection method: clinical testing. Allele origin: germline.
Comment: This sequence change replaces serine, which is neutral and polar, with glycine, which is neutral and non-polar, at codon 412 of the IFNAR2 protein (p.Ser412Gly). This variant is present in population databases (rs781229655, gnomAD 0.002%). This variant has not been reported in the literature in individuals affected with IFNAR2-related conditions. An algorithm developed to predict the effect of missense changes on protein structure and function outputs the following: PolyPhen-2: "Benign". The glycine amino acid residue is found in multiple mammalian species, which suggests that this missense change does not adversely affect protein function. In summary, the available evidence is currently insufficient to determine the role of this variant in disease. Therefore, it has been classified as a Variant of Uncertain Significance.

NM_001289125.3(IFNAR2):c.1234A>G (p.Ser412Gly)

Genes: IFNAR2 (interferon alpha and beta receptor subunit 2; plus strand), IFNAR2-IL10RB (IFNAR2-IL10RB readthrough; plus strand). Cytogenetic location: 21q22.11.
Variant type: single nucleotide variant.
Coding change: c.1234A>G on transcript NM_001289125.3 (MANE Select); coding-DNA position 1234, A replaced by G.
Protein change: p.Ser412Gly; replaces serine 412 with glycine.
Molecular consequence: missense variant. On other transcripts: 3 prime UTR variant (5), intron variant (1).
Genome position (GRCh38, 1-based): chr21:33,263,186, A>G. VCF-style: chr21-33263186-A-G. GRCh37 (hg19) VCF-style: chr21-34635491-A-G.
Other names: c.*470A>G (NM_000874.5, NM_207584.3); c.*383A>G (NM_001289126.2, NM_001289128.2); c.*609A>G (NM_001385054.1); c.1234A>G, p.Ser412Gly (NM_001385055.1, NM_207585.3); c.710-5208A>G (NM_001414505.1); short protein forms S412G.
Identifiers: ClinVar variation 4749975 (VCV004749975.1).